The following is an entry in ClinVar:

ClinVar aggregate classification (germline): Likely pathogenic (1 of 4 stars; one submission).

Conditions:
Centromeric instability of chromosomes 1,9 and 16 and immunodeficiency (ICF1). Also called: CENTROMERIC INSTABILITY, IMMUNODEFICIENCY SYNDROME; Immunodeficiency-centromeric instability-facial anomalies; IMMUNE DEFICIENCY, VARIABLE, WITH CENTROMERIC INSTABILITY OF CHROMOSOMES 1, 9, AND 16; IMMUNODEFICIENCY SYNDROME, VARIABLE. Identifiers: Orphanet 2268, MedGen C0398788, MONDO:0000133.

Submission:

Labcorp Genetics (formerly Invitae), Labcorp
Classification: Likely pathogenic for Centromeric instability of chromosomes 1,9 and 16 and immunodeficiency. Last evaluated: 2023-02-28. Review status: criteria provided, single submitter. Criteria: Invitae Variant Classification Sherloc (09022015). Collection method: clinical testing. Allele origin: germline.
Comment: Algorithms developed to predict the effect of sequence changes on RNA splicing suggest that this variant may disrupt the consensus splice site. In summary, the currently available evidence indicates that the variant is pathogenic, but additional data are needed to prove that conclusively. Therefore, this variant has been classified as Likely Pathogenic. This variant has not been reported in the literature in individuals affected with DNMT3B-related conditions. This variant is not present in population databases (gnomAD no frequency). This sequence change affects an acceptor splice site in intron 19 of the DNMT3B gene. It is expected to disrupt RNA splicing. Variants that disrupt the donor or acceptor splice site typically lead to a loss of protein function (PMID: 16199547), and loss-of-function variants in DNMT3B are known to be pathogenic (PMID: 11102980).

Literature cited by the submitters: PubMed 16199547; PubMed 11102980.

NM_006892.4(DNMT3B):c.2146-1G>C

Gene: DNMT3B (DNA methyltransferase 3 beta; plus strand). Cytogenetic location: 20q11.21.
Variant type: single nucleotide variant.
Coding change: c.2146-1G>C on transcript NM_006892.4 (MANE Select); the canonical splice acceptor site of the intron before coding-DNA position 2146, G replaced by C.
Molecular consequence: splice acceptor variant.
Genome position (GRCh38, 1-based): chr20:32,802,384, G>C. VCF-style: chr20-32802384-G-C. GRCh37 (hg19) VCF-style: chr20-31390190-G-C.
Other names: c.2146-1G>C (NM_001424351.1, NM_001424355.1); c.2086-1G>C (NM_175848.2, NM_001424353.1, NM_175849.2); c.2020-1G>C (NM_001424352.1, NM_001424356.1, NM_001424358.1); c.1960-1G>C (NM_001424354.1, NM_001424357.1, NM_001207055.2); c.1858-1G>C (NM_001207056.2); c.2122-1G>C (NM_175850.3, NM_001424359.1); c.1996-1G>C (NM_001424360.1).
Identifiers: ClinVar variation 2841543 (VCV002841543.3), dbSNP rs2515657453, ClinGen allele CA408590398.